The following is an entry in ClinVar:

NM_003466.4(PAX8):c.*187A>G

Gene: PAX8 (paired box 8; minus strand). Cytogenetic location: 2q14.1.
Variant type: single nucleotide variant.
Coding change: c.*187A>G on transcript NM_003466.4 (MANE Select); 187 bases downstream of the stop codon, A replaced by G.
Molecular consequence: 3 prime UTR variant.
Genome position (GRCh38, 1-based): chr2:113,218,346, T>C on the plus strand (A>G on the coding strand, the complement: PAX8 is on the minus strand). VCF-style: chr2-113218346-T-C. GRCh37 (hg19) VCF-style: chr2-113975923-T-C.
Other names: c.*264A>G (NM_013952.4, NM_013953.4, NM_013992.4).
Identifiers: ClinVar variation 330882 (VCV000330882.7), dbSNP rs78802229, ClinGen allele CA10612044.
Genomic context (GRCh38, chr2:113,218,346, plus strand): 5'-ATGGCATGGTTCTCTTTCCCTGGGACTCCTGCCCCTCATTAAGGAGTCTTGGAGGACAGT[T>C]TGGCCTTGTCCAAGGTCATCCTGTCTTTCATGGTTCATTAAATTAACCACACAGGGAGTG-3'

ClinVar aggregate classification (germline): Benign/Likely benign. Review status: criteria provided, multiple submitters, no conflicts (2 of 4 stars). 3 submissions from 3 submitters: Benign (1); Likely benign (2). Last evaluated 2021-06-19.

Conditions:
Hypothyroidism, congenital, nongoitrous, 2 (CHNG2). Also called: Hypothyroidism, congenital, due to thyroid dysgenesis or hypoplasia. Identifiers: Orphanet 95712, MedGen C1869118, MONDO:0024264, OMIM 218700.

Allele frequency attached by ClinVar (database versions not stated): 1000 Genomes Project 30x 0.02561; 1000 Genomes Project 0.02716; TOPMed 0.04101; gnomAD 0.05034 and 0.05117; gnomAD exomes 0.06329.
gnomAD v4.1: 25,725 of 441,512 alleles (5.8%); highest among the groups gnomAD compares: Non-Finnish European, 7.2%; 995 homozygotes.

Submissions (3):

GeneDx
Classification: Benign. Last evaluated: 2021-06-19. Review status: criteria provided, single submitter. Criteria: GeneDx Variant Classification Process June 2021. Collection method: clinical testing. Allele origin: germline. Affected: yes.

Illumina Laboratory Services, Illumina
Classification: Likely benign for Hypothyroidism, congenital, nongoitrous, 2. Last evaluated: 2018-01-12. Review status: criteria provided, single submitter. Criteria: ICSL Variant Classification Criteria 13 December 2019. Collection method: clinical testing. Allele origin: germline.
Comment: This variant was observed in the ICSL laboratory as part of a predisposition screen in an ostensibly healthy population. It had not been previously curated by ICSL or reported in the Human Gene Mutation Database (HGMD: prior to June 1st, 2018), and was therefore a candidate for classification through an automated scoring system. Utilizing variant allele frequency, disease prevalence and penetrance estimates, and inheritance mode, an automated score was calculated to assess if this variant is too frequent to cause the disease. Based on the score and internal cut-off values, a variant classified as likely benign is not then subjected to further curation. The score for this variant resulted in a classification of likely benign for this disease.

Breakthrough Genomics
Classification: Likely benign. Review status: criteria provided, single submitter. Criteria: ACMG Guidelines, 2015. Collection method: not provided. Allele origin: germline. Inheritance: Autosomal dominant inheritance. Affected: yes.